The following is an entry in ClinVar:

NM_001367823.1(ARHGEF18):c.1378G>A (p.Val460Met)

Gene: ARHGEF18 (Rho/Rac guanine nucleotide exchange factor 18; plus strand). Cytogenetic location: 19p13.2.
Variant type: single nucleotide variant.
Coding change: c.1378G>A on transcript NM_001367823.1 (MANE Select); coding-DNA position 1378, G replaced by A.
Protein change: p.Val460Met; replaces valine 460 with methionine.
Molecular consequence: missense variant.
Genome position (GRCh38, 1-based): chr19:7,444,221, G>A. VCF-style: chr19-7444221-G-A. GRCh37 (hg19) VCF-style: chr19-7509107-G-A.
Other names: c.652G>A, p.Val218Met (NM_001130955.2); c.340G>A, p.Val114Met (NM_001367824.1, NM_015318.4); short protein forms V218M, V114M, V460M.
Identifiers: ClinVar variation 2190214 (VCV002190214.4), dbSNP rs756847543, ClinGen allele CA9136460.
Genomic context (GRCh38, chr19:7,444,221, plus strand): 5'-GTGGAGCCAGCATGGCTAAGTCCTGCCGTCTGTGTCCCTGCAGAGCTGATGCAGACAGAG[G>A]TGCACCACGTGCGGACGCTCAAGATCATGCTGAAGGTGTACTCCAGGGCCCTGCAGGAGG-3'
Protein context (NP_001354752.1, residues 450-470): DVLYELMQTE[Val460Met]HHVRTLKIML

ClinVar aggregate classification (germline): Uncertain significance (1 of 4 stars; one submission).

Allele frequency attached by ClinVar (database versions not stated): gnomAD exomes below 0.00001; ExAC 0.00002.
gnomAD v4.1: 5 of 1,613,378 alleles (0.00031%); highest among the groups gnomAD compares: South Asian, 0.0055%; no homozygotes.

Submission:

Labcorp Genetics (formerly Invitae), Labcorp
Classification: Uncertain significance. Last evaluated: 2022-05-25. Review status: criteria provided, single submitter. Criteria: Invitae Variant Classification Sherloc (09022015). Collection method: clinical testing. Allele origin: germline.
Comment: In summary, the available evidence is currently insufficient to determine the role of this variant in disease. Therefore, it has been classified as a Variant of Uncertain Significance. Algorithms developed to predict the effect of missense changes on protein structure and function output the following: SIFT: "Tolerated"; PolyPhen-2: "Benign"; Align-GVGD: "Class C0". The methionine amino acid residue is found in multiple mammalian species, which suggests that this missense change does not adversely affect protein function. This variant has not been reported in the literature in individuals affected with ARHGEF18-related conditions. This variant is present in population databases (rs756847543, gnomAD 0.01%). This sequence change replaces valine, which is neutral and non-polar, with methionine, which is neutral and non-polar, at codon 272 of the ARHGEF18 protein (p.Val272Met).